The following is an entry in ClinVar:

ClinVar aggregate classification (germline): Uncertain significance. Review status: criteria provided, multiple submitters, no conflicts (2 of 4 stars). 2 submissions from 2 submitters: Uncertain significance (2). Last evaluated 2025-11-26.

Conditions:
Hereditary cancer-predisposing syndrome. Also called: Tumor predisposition; Hereditary Cancer Syndrome; Neoplastic Syndromes, Hereditary; Hereditary neoplastic syndrome. Identifiers: Orphanet 140162, MedGen C0027672, MeSH D009386, MONDO:0015356.

gnomAD v4.1: 1 of 1,614,098 alleles (0.000062%); highest among the groups gnomAD compares: Non-Finnish European, 0.000085%; no homozygotes.

Submissions (2):

Ambry Genetics
Classification: Uncertain significance for Hereditary cancer-predisposing syndrome. Last evaluated: 2025-11-26. Review status: criteria provided, single submitter. Criteria: Ambry Variant Classification Scheme 2023. Collection method: clinical testing. Allele origin: germline.
Comment: The p.T283I variant (also known as c.848C>T), located in coding exon 2 of the HOXB13 gene, results from a C to T substitution at nucleotide position 848. The threonine at codon 283 is replaced by isoleucine, an amino acid with similar properties. This amino acid position is well conserved in available vertebrate species. In addition, this alteration is predicted to be tolerated by in silico analysis. Since supporting evidence is limited at this time, the clinical significance of this alteration remains unclear.

Labcorp Genetics (formerly Invitae), Labcorp
Classification: Uncertain significance. Last evaluated: 2025-08-29. Review status: criteria provided, single submitter. Criteria: Invitae Variant Classification Sherloc (09022015). Collection method: clinical testing. Allele origin: germline.
Comment: This sequence change replaces threonine, which is neutral and polar, with isoleucine, which is neutral and non-polar, at codon 283 of the HOXB13 protein (p.Thr283Ile). This variant is not present in population databases (gnomAD no frequency). This variant has not been reported in the literature in individuals affected with HOXB13-related conditions. ClinVar contains an entry for this variant (Variation ID: 822505). An algorithm developed to predict the effect of missense changes on protein structure and function outputs the following: PolyPhen-2: "Benign". The isoleucine amino acid residue is found in multiple mammalian species, which suggests that this missense change does not adversely affect protein function. In summary, the available evidence is currently insufficient to determine the role of this variant in disease. Therefore, it has been classified as a Variant of Uncertain Significance.

NM_006361.6(HOXB13):c.848C>T (p.Thr283Ile)

Gene: HOXB13 (homeobox B13; minus strand). Cytogenetic location: 17q21.32.
Variant type: single nucleotide variant.
Coding change: c.848C>T on transcript NM_006361.6 (MANE Select); coding-DNA position 848, C replaced by T.
Protein change: p.Thr283Ile; replaces threonine 283 with isoleucine.
Molecular consequence: missense variant.
Genome position (GRCh38, 1-based): chr17:48,726,797, G>A on the plus strand (C>T on the coding strand, the complement: HOXB13 is on the minus strand). VCF-style: chr17-48726797-G-A. GRCh37 (hg19) VCF-style: chr17-46804159-G-A.
Other names: short protein forms T283I.
Identifiers: ClinVar variation 822505 (VCV000822505.12), dbSNP rs1597932386, ClinGen allele CA400105142.